The following is an entry in ClinVar:

NM_004304.5(ALK):c.1201C>T (p.Arg401Ter)

Gene: ALK (ALK receptor tyrosine kinase; minus strand). Cytogenetic location: 2p23.2.
Variant type: single nucleotide variant.
Coding change: c.1201C>T on transcript NM_004304.5 (MANE Select); coding-DNA position 1201, C replaced by T.
Protein change: p.Arg401Ter; replaces arginine 401 with a stop codon.
Molecular consequence: nonsense.
Genome position (GRCh38, 1-based): chr2:29,383,813, G>A on the plus strand (C>T on the coding strand, the complement: ALK is on the minus strand). VCF-style: chr2-29383813-G-A. GRCh37 (hg19) VCF-style: chr2-29606679-G-A.
Other names: c.1201C>T (NM_004304.4); short protein forms R401*.
Identifiers: ClinVar variation 1470261 (VCV001470261.7), dbSNP rs865931787, ClinGen allele CA44939738.

ClinVar aggregate classification (germline): Conflicting classifications of pathogenicity. Review status: criteria provided, conflicting classifications (1 of 4 stars). 2 submissions from 2 submitters: Uncertain significance (1); Likely benign (1). Last evaluated 2026-03-31.

Conditions:
Neuroblastoma, susceptibility to, 3. Also called: ALK-Related Neuroblastic Tumor Susceptibility. Identifiers: Orphanet 635, MedGen C2751681, MONDO:0013083, OMIM 613014.
Hereditary cancer-predisposing syndrome. Also called: Tumor predisposition; Neoplastic Syndromes, Hereditary; Hereditary Cancer Syndrome; Hereditary neoplastic syndrome. Identifiers: Orphanet 140162, MedGen C0027672, MeSH D009386, MONDO:0015356.

gnomAD v4.1: 2 of 1,614,126 alleles (0.00012%); highest among the groups gnomAD compares: Non-Finnish European, 0.00017%; no homozygotes.

Submissions (2):

Ambry Genetics
Classification: Likely benign for Hereditary cancer-predisposing syndrome. Last evaluated: 2026-03-31. Review status: criteria provided, single submitter. Criteria: Ambry Variant Classification Scheme 2023. Collection method: clinical testing. Allele origin: germline.

Labcorp Genetics (formerly Invitae), Labcorp
Classification: Uncertain significance for Neuroblastoma, susceptibility to, 3. Last evaluated: 2024-05-26. Review status: criteria provided, single submitter. Criteria: Invitae Variant Classification Sherloc (09022015). Collection method: clinical testing. Allele origin: germline.
Comment: This sequence change creates a premature translational stop signal (p.Arg401*) in the ALK gene. It is expected to result in an absent or disrupted protein product. However, the current clinical and genetic evidence is not sufficient to establish whether loss-of-function variants in ALK cause disease. This variant is not present in population databases (gnomAD no frequency). This variant has not been reported in the literature in individuals affected with ALK-related conditions. ClinVar contains an entry for this variant (Variation ID: 1470261). In summary, the available evidence is currently insufficient to determine the role of this variant in disease. Therefore, it has been classified as a Variant of Uncertain Significance.